The following is an entry in ClinVar:

ClinVar aggregate classification (germline): Likely pathogenic. Review status: criteria provided, multiple submitters, no conflicts (2 of 4 stars). 2 submissions from 2 submitters: Likely pathogenic (2). Last evaluated 2023-12-13.

Submissions (2):

GeneDx
Classification: Likely pathogenic. Last evaluated: 2023-12-13. Review status: criteria provided, single submitter. Criteria: GeneDx Variant Classification Process June 2021. Collection method: clinical testing. Allele origin: germline. Affected: yes.
Comment: Canonical splice site variant predicted to result in a null allele in a gene for which loss of function is a known mechanism of disease; Not observed at significant frequency in large population cohorts (gnomAD); Has not been previously published as pathogenic or benign in association with TUBGCP6-related microcephaly and chorioretinopathy to our knowledge; This variant is associated with the following publications: (PMID: 31964843)

Labcorp Genetics (formerly Invitae), Labcorp
Classification: Likely pathogenic. Last evaluated: 2022-10-04. Review status: criteria provided, single submitter. Criteria: Invitae Variant Classification Sherloc (09022015). Collection method: clinical testing. Allele origin: germline.
Comment: In summary, the currently available evidence indicates that the variant is pathogenic, but additional data are needed to prove that conclusively. Therefore, this variant has been classified as Likely Pathogenic. Algorithms developed to predict the effect of sequence changes on RNA splicing suggest that this variant may disrupt the consensus splice site. This variant has not been reported in the literature in individuals affected with TUBGCP6-related conditions. This variant is present in population databases (rs753660549, gnomAD 0.001%). This sequence change affects a splice site in intron 5 of the TUBGCP6 gene. It is expected to disrupt RNA splicing. Variants that disrupt the donor or acceptor splice site typically lead to a loss of protein function (PMID: 16199547), and loss-of-function variants in TUBGCP6 are known to be pathogenic (PMID: 25344692).

Literature cited by the submitters: PubMed 16199547 (cited by Labcorp Genetics (formerly Invitae), Labcorp); PubMed 25344692 (cited by Labcorp Genetics (formerly Invitae), Labcorp).

NM_020461.4(TUBGCP6):c.1412+2_1412+3del

Gene: TUBGCP6 (tubulin gamma complex component 6; minus strand). Cytogenetic location: 22q13.33.
Variant type: Deletion.
Coding change: c.1412+2_1412+3del on transcript NM_020461.4 (MANE Select); the canonical splice donor site of the intron after coding-DNA position 1412 through 3 bases into the intron after coding-DNA position 1412, 2 bases deleted (TG; older notation c.1412+2_1412+3delTG).
Molecular consequence: splice donor variant.
Genome position (GRCh38, 1-based): chr22:50,227,904-50,227,905, CA deleted on the plus strand (TG on the coding strand, the reverse complement: TUBGCP6 is on the minus strand); deleting any 2 consecutive bases within chr22:50,227,904-50,227,906 gives the same sequence; the c. name uses the placement nearest the transcript's 3' end. VCF-style (leftmost placement, unchanged base first): chr22-50227903-TCA-T. GRCh37 (hg19) VCF-style: chr22-50666332-TCA-T.
Identifiers: ClinVar variation 1933334 (VCV001933334.6), dbSNP rs753660549, ClinGen allele CA325468032.
Genomic context (GRCh38, chr22:50,227,903, plus strand): 5'-CCACCCAGCAAGCCCCACACCGCTCCCGCAAAGTCCCCTGCTCAGCCGCCATGCTGAGGC[TCA>T]CCTGAGCTGCCGGCCAAGTTTCTTGAAGAGAAAACCAATGGTGAGGAGGCTCAGGGTGGG-3'